The following is an entry in ClinVar:

ClinVar aggregate classification (germline): Uncertain significance. Review status: criteria provided, multiple submitters, no conflicts (2 of 4 stars). 12 submissions from 12 submitters: Uncertain significance (9). 3 of the submissions do not count toward it. Last evaluated 2026-10-05.

Conditions:
MYH7-related disorder. Also called: MYH7-related disorders; MYH7-related condition; MYH7-related disease.
Cardiomyopathy (CMYO). Also called: Cardiomyopathies. Identifiers: Orphanet 167848, MedGen C0878544, MONDO:0004994, HP:0001638. Inheritance: Various modes of inheritance.
Cardiovascular phenotype. Identifiers: MedGen CN230736.
Prolonged QT interval. Identifiers: MedGen C0151878, HP:0001657.
Hypertrophic cardiomyopathy. Also called: HYPERTROPHIC MYOCARDIOPATHY. Identifiers: Orphanet 217569, MedGen C0007194, MeSH D002312, MONDO:0005045, HP:0001639.

Allele frequency attached by ClinVar (database versions not stated): ExAC 0.00002; gnomAD exomes 0.00002 and 0.00005; TOPMed 0.00003; gnomAD 0.00003.
gnomAD v4.1: 81 of 1,613,744 alleles (0.005%); highest among the groups gnomAD compares: Middle Eastern, 0.017%; no homozygotes.

Submissions (12):

GeneDx
Classification: Uncertain significance. Last evaluated: 2026-10-05. Review status: criteria provided, single submitter. Criteria: GeneDx Variant Classification Process June 2021. Collection method: clinical testing. Allele origin: germline.
Comment: In silico analysis suggests that this missense variant does not alter protein structure/function; Not observed at significant frequency in large population cohorts (gnomAD); Reported in association with HCM and LQTS (PMID: 27532257, 29255176, 33495597, 37652022, 33495596); This variant is associated with the following publications: (PMID: 29255176, 37652022, 33495596, 33495597, 27532257)

PreventionGenetics, part of Exact Sciences
Classification: Uncertain significance for MYH7-related condition. Last evaluated: 2026-06-02. Review status: criteria provided, single submitter. Criteria: ACMG Guidelines, 2015. Collection method: clinical testing. Allele origin: germline.
Comment: The MYH7 c.5471A>G variant is predicted to result in the amino acid substitution p.Asn1824Ser. This variant was reported in individuals with hypertrophic cardiomyopathy (Table S1A, Walsh et al. 2017. PubMed ID: 27532257; Table S8, McGurk et al. 2023. PubMed ID: 37652022). This variant is reported in 0.0031% of alleles in individuals of European (Non-Finnish) descent in gnomAD. At this time, the clinical significance of this variant is uncertain due to the absence of conclusive functional and genetic evidence.

Color Diagnostics, LLC DBA Color Health
Classification: Uncertain significance for Cardiomyopathy. Last evaluated: 2024-04-25. Review status: criteria provided, single submitter. Criteria: ACMG Guidelines, 2015. Collection method: clinical testing. Allele origin: germline.
Comment: This missense variant replaces asparagine with serine at codon 1824 of the MYH7 protein. Computational prediction tools indicate that this variant has a neutral impact on protein structure and function. To our knowledge, functional studies have not been reported for this variant. This variant has been reported in at least one individual affected with hypertrophic cardiomyopathy (PMID: 27532257, 33495596, 33495597) and in one individual affected with either arrhythmia or cardiomyopathy (PMID: 29255176). This variant has been identified in 6/282716 chromosomes in the general population by the Genome Aggregation Database (gnomAD). The available evidence is insufficient to determine the role of this variant in disease conclusively. Therefore, this variant is classified as a Variant of Uncertain Significance.

All of Us Research Program, National Institutes of Health
Classification: Uncertain significance for Cardiomyopathy. Last evaluated: 2024-01-11. Review status: criteria provided, single submitter. Criteria: ACMG Guidelines, 2015. Collection method: clinical testing. Allele origin: germline. Inheritance: Autosomal dominant inheritance. Observed: 7 variant alleles, 7 heterozygotes.
Comment: This missense variant replaces asparagine with serine at codon 1824 of the MYH7 protein. Computational prediction suggests that this variant may not impact protein structure and function (internally defined REVEL score threshold <= 0.5, PMID: 27666373). To our knowledge, functional studies have not been reported for this variant. This variant has been reported in an individual affected with hypertrophic cardiomyopathy (PMID: 27532257, 33495596) and in an individual affected with either arrhythmia or cardiomyopathy (PMID: 29255176). This variant has been identified in 6/282716 chromosomes in the general population by the Genome Aggregation Database (gnomAD). The available evidence is insufficient to determine the role of this variant in disease conclusively. Therefore, this variant is classified as a Variant of Uncertain Significance.

This study involves interpretation of variants in research participants for the purpose of population health screening. Participant phenotype was not available at the time of variant classification. Additional details can be found in publication PMID: 35346344, PMCID: PMC8962531

Ambry Genetics
Classification: Uncertain significance for Cardiovascular phenotype. Last evaluated: 2023-12-22. Review status: criteria provided, single submitter. Criteria: Ambry Variant Classification Scheme 2023. Collection method: clinical testing. Allele origin: germline.
Comment: The p.N1824S variant (also known as c.5471A>G), located in coding exon 35 of the MYH7 gene, results from an A to G substitution at nucleotide position 5471. The asparagine at codon 1824 is replaced by serine, an amino acid with highly similar properties. This variant was detected in a cohort referred for hypertrophic cardiomyopathy genetic testing (Walsh R et al. Genet. Med., 2017 02;19:192-203). This amino acid position is well conserved in available vertebrate species. In addition, this alteration is predicted to be tolerated by in silico analysis. Since supporting evidence is limited at this time, the clinical significance of this alteration remains unclear.

Women's Health and Genetics/Laboratory Corporation of America, LabCorp
Classification: Uncertain significance. Last evaluated: 2023-12-06. Review status: criteria provided, single submitter. Criteria: LabCorp Variant Classification Summary - May 2015. Collection method: clinical testing. Allele origin: germline.
Comment: Variant summary: MYH7 c.5471A>G (p.Asn1824Ser) results in a conservative amino acid change located in the Myosin tail domain (IPR002928) of the encoded protein sequence. Three of five in-silico tools predict a benign effect of the variant on protein function. The variant allele was found at a frequency of 5e-05 in 1,606,776 control chromosomes (i.e. in 80 carriers) in the gnomAD database v4.0 dataset. This frequency is not higher than the estimated maximum expected for a pathogenic variant in MYH7 causing Cardiomyopathy (0.0013), allowing no conclusion about variant significance. However, the presence of the variant in several carriers makes it unlikely that it is associated with a dominant, early onset, high penetrance, severe disease phenotype. c.5471A>G has been reported in the literature in an individual affected with hypertrophic cardiomyopathy (HCM), and in an individual with long QT syndrome (LQTS) (Walsh_2017, Robyns_2017). These data do not allow any conclusion about variant significance. To our knowledge, no experimental evidence demonstrating an impact on protein function has been reported. The following publications have been ascertained in the context of this evaluation (PMID: 27532257, 29255176). Six submitters have cited clinical-significance assessments for this variant to ClinVar after 2014. All submitters classified the variant as uncertain significance. Based on the evidence outlined above, the variant was classified as VUS-possibly benign.

Labcorp Genetics (formerly Invitae), Labcorp
Classification: Uncertain significance for Hypertrophic cardiomyopathy. Last evaluated: 2023-06-24. Review status: criteria provided, single submitter. Criteria: Invitae Variant Classification Sherloc (09022015). Collection method: clinical testing. Allele origin: germline.
Comment: ClinVar contains an entry for this variant (Variation ID: 427959). In summary, the available evidence is currently insufficient to determine the role of this variant in disease. Therefore, it has been classified as a Variant of Uncertain Significance. Advanced modeling of protein sequence and biophysical properties (such as structural, functional, and spatial information, amino acid conservation, physicochemical variation, residue mobility, and thermodynamic stability) performed at Invitae indicates that this missense variant is not expected to disrupt MYH7 protein function. This missense change has been observed in individual(s) with hypertrophic cardiomyopathy (PMID: 27532257). This variant is present in population databases (rs760218400, gnomAD 0.003%). This sequence change replaces asparagine, which is neutral and polar, with serine, which is neutral and polar, at codon 1824 of the MYH7 protein (p.Asn1824Ser).

Centre of Medical Genetics, University Hospital Muenster
Classification: Uncertain significance. Last evaluated: 2021-12-10. Review status: criteria provided, single submitter. Criteria: ACMG Guidelines, 2015. Collection method: clinical testing. Allele origin: unknown. Affected: yes. Observed: 1 variant allele, 1 heterozygote.
Comment: ACMG categories: PM1,PM2,BP1

Center for Human Genetics, University of Leuven
Classification: Uncertain significance for Prolonged QT interval. Last evaluated: 2017-04-30. Review status: criteria provided, single submitter. Criteria: ACMG Guidelines, 2015. Collection method: clinical testing. Allele origin: germline. Inheritance: Autosomal dominant inheritance. Affected: yes.

Clinical Genetics, Academic Medical Center
Classification: Uncertain significance. Review status: no assertion criteria provided. Collection method: clinical testing. Allele origin: germline. Affected: yes. Study: VKGL Data-share Consensus. Not counted in ClinVar's aggregate classification.

Diagnostic Laboratory, Department of Genetics, University Medical Center Groningen
Classification: Uncertain significance. Review status: no assertion criteria provided. Collection method: clinical testing. Allele origin: germline. Affected: yes. Study: VKGL Data-share Consensus. Not counted in ClinVar's aggregate classification.

Joint Genome Diagnostic Labs from Nijmegen and Maastricht, Radboudumc and MUMC+
Classification: Uncertain significance. Review status: no assertion criteria provided. Collection method: clinical testing. Allele origin: germline. Affected: yes. Study: VKGL Data-share Consensus. Not counted in ClinVar's aggregate classification.

Literature cited by the submitters: PubMed 27532257 (cited by 5 submitters); PubMed 29255176 (cited by 3 submitters); PubMed 33495596 (cited by 3 submitters); PubMed 33495597 (cited by Color Diagnostics, LLC DBA Color Health).

NM_000257.4(MYH7):c.5471A>G (p.Asn1824Ser)

Gene: MYH7 (myosin heavy chain 7; minus strand). Cytogenetic location: 14q11.2.
Variant type: single nucleotide variant.
Coding change: c.5471A>G on transcript NM_000257.4 (MANE Select); coding-DNA position 5471, A replaced by G.
Protein change: p.Asn1824Ser; replaces asparagine 1824 with serine.
Molecular consequence: missense variant.
Genome position (GRCh38, 1-based): chr14:23,415,083, T>C on the plus strand (A>G on the coding strand, the complement: MYH7 is on the minus strand). VCF-style: chr14-23415083-T-C. GRCh37 (hg19) VCF-style: chr14-23884292-T-C.
Other names: c.5471A>G (LRG_384t1); short protein forms N1824S.
Identifiers: ClinVar variation 427959 (VCV000427959.31), dbSNP rs760218400, ClinGen allele CA046887.